The following is an entry in ClinVar:

NM_000372.5(TYR):c.835T>C (p.Leu279=)

Gene: TYR (tyrosinase; plus strand). Cytogenetic location: 11q14.3.
Variant type: single nucleotide variant.
Coding change: c.835T>C on transcript NM_000372.5 (MANE Select); coding-DNA position 835, T replaced by C.
Protein change: p.Leu279=; no amino-acid change (leucine 279 retained).
Molecular consequence: synonymous variant.
Genome position (GRCh38, 1-based): chr11:89,191,217, T>C. VCF-style: chr11-89191217-T-C. GRCh37 (hg19) VCF-style: chr11-88924385-T-C.
Identifiers: ClinVar variation 437173 (VCV000437173.23), dbSNP rs4987234, ClinGen allele CA6221232.

ClinVar aggregate classification (germline): Benign/Likely benign. Review status: criteria provided, multiple submitters, no conflicts (2 of 4 stars). 6 submissions from 6 submitters: Benign (1); Likely benign (4). 1 of the submissions does not count toward it. Last evaluated 2026-02-02.

Conditions:
TYR-related disorder. Also called: TYR-related condition.
Oculocutaneous albinism. Identifiers: Orphanet 55, MedGen C0078918, MONDO:0018910.

Allele frequency attached by ClinVar (database versions not stated): gnomAD exomes 0.00072; gnomAD 0.00733; ESP Exome Variant Server 0.00762; 1000 Genomes Project 0.00839; 1000 Genomes Project 30x 0.00890; TOPMed 0.00948.
gnomAD v4.1: 2,279 of 1,613,386 alleles (0.14%); highest among the groups gnomAD compares: African/African-American, 2.5%; 22 homozygotes.

Submissions (6):

Labcorp Genetics (formerly Invitae), Labcorp
Classification: Benign. Last evaluated: 2026-02-02. Review status: criteria provided, single submitter. Criteria: Invitae Variant Classification Sherloc (09022015). Collection method: clinical testing. Allele origin: germline.

Women's Health and Genetics/Laboratory Corporation of America, LabCorp
Classification: Likely benign. Last evaluated: 2025-03-31. Review status: criteria provided, single submitter. Criteria: LabCorp Variant Classification Summary - May 2015. Collection method: clinical testing. Allele origin: germline.

Illumina Laboratory Services, Illumina
Classification: Likely benign for Oculocutaneous albinism. Last evaluated: 2017-04-27. Review status: criteria provided, single submitter. Criteria: ICSL Variant Classification Criteria 13 December 2019. Collection method: clinical testing. Allele origin: germline.
Comment: This variant was observed as part of a predisposition screen in an ostensibly healthy population. A literature search was performed for the gene, cDNA change, and amino acid change (where applicable). No publications were found based on this search. Allele frequency data from public databases allowed determination this variant is unlikely to cause disease. Therefore, this variant is classified as likely benign.

Genetic Services Laboratory, University of Chicago
Classification: Likely benign. Last evaluated: 2015-11-10. Review status: criteria provided, single submitter. Criteria: ACMG Guidelines, 2015. Collection method: clinical testing. Allele origin: germline. Affected: no.

Breakthrough Genomics
Classification: Likely benign. Review status: criteria provided, single submitter. Criteria: ACMG Guidelines, 2015. Collection method: not provided. Allele origin: germline. Inheritance: Autosomal recessive inheritance. Affected: yes.

PreventionGenetics, part of Exact Sciences
Classification: Likely benign for TYR-related condition. Last evaluated: 2019-05-22. Review status: no assertion criteria provided. Collection method: clinical testing. Allele origin: germline. Not counted in ClinVar's aggregate classification.
Comment: This variant is classified as likely benign based on ACMG/AMP sequence variant interpretation guidelines (Richards et al. 2015 PMID: 25741868, with internal and published modifications).